The following is an entry in ClinVar:

ClinVar aggregate classification (germline): Benign/Likely benign. Review status: criteria provided, multiple submitters, no conflicts (2 of 4 stars). 4 submissions from 4 submitters: Benign (3); Likely benign (1). Last evaluated 2026-01-29.

Conditions:
ARNT2-related disorder. Also called: ARNT2-related condition.
Webb-Dattani syndrome (WEDAS). Also called: HYPOTHALAMO-PITUITARY-FRONTOTEMPORAL HYPOPLASIA WITH VISUAL AND RENAL ANOMALIES. Identifiers: MedGen C4014708, MONDO:0014404, OMIM 615926.

Allele frequency attached by ClinVar (database versions not stated): ESP Exome Variant Server 0.00100; gnomAD exomes 0.00203 and 0.00823; gnomAD 0.00360 and 0.00364; 1000 Genomes Project 0.00539; 1000 Genomes Project 30x 0.00593; TOPMed 0.00609; ExAC 0.00633.
gnomAD v4.1: 3,586 of 1,614,094 alleles (0.22%); highest among the groups gnomAD compares: Admixed American, 4.2%; 80 homozygotes.

Submissions (4):

Labcorp Genetics (formerly Invitae), Labcorp
Classification: Benign. Last evaluated: 2026-01-29. Review status: criteria provided, single submitter. Criteria: Invitae Variant Classification Sherloc (09022015). Collection method: clinical testing. Allele origin: germline.

PreventionGenetics, part of Exact Sciences
Classification: Benign for ARNT2-related condition. Last evaluated: 2025-04-25. Review status: criteria provided, single submitter. Criteria: ACMG Guidelines, 2015. Collection method: clinical testing. Allele origin: germline.
Comment: This variant is classified as benign based on ACMG/AMP sequence variant interpretation guidelines (Richards et al. 2015 PMID: 25741868, with internal and published modifications).

Fulgent Genetics
Classification: Likely benign for Webb-Dattani syndrome. Last evaluated: 2022-01-13. Review status: criteria provided, single submitter. Criteria: ACMG Guidelines, 2015. Collection method: clinical testing. Allele origin: unknown.

Breakthrough Genomics
Classification: Benign. Review status: criteria provided, single submitter. Criteria: ACMG Guidelines, 2015. Collection method: not provided. Allele origin: germline. Inheritance: Autosomal recessive inheritance. Affected: yes.

NM_014862.4(ARNT2):c.2007C>T (p.Ser669=)

Gene: ARNT2 (aryl hydrocarbon receptor nuclear translocator 2; plus strand). Cytogenetic location: 15q25.1.
Variant type: single nucleotide variant.
Coding change: c.2007C>T on transcript NM_014862.4 (MANE Select); coding-DNA position 2007, C replaced by T.
Protein change: p.Ser669=; no amino-acid change (serine 669 retained).
Molecular consequence: synonymous variant.
Genome position (GRCh38, 1-based): chr15:80,591,656, C>T. VCF-style: chr15-80591656-C-T. GRCh37 (hg19) VCF-style: chr15-80883997-C-T.
Identifiers: ClinVar variation 771477 (VCV000771477.14), dbSNP rs61753570, ClinGen allele CA7692239.